The following is an entry in ClinVar:

ClinVar aggregate classification (germline): Pathogenic (1 of 4 stars; one submission).

Conditions:
Chédiak-Higashi syndrome (CHS). Also called: Chediak-Higashi Syndrome. Identifiers: Orphanet 167, MedGen C0007965, MONDO:0008963, OMIM 214500.

Submission:

Labcorp Genetics (formerly Invitae), Labcorp
Classification: Pathogenic for Chédiak-Higashi syndrome. Last evaluated: 2023-08-09. Review status: criteria provided, single submitter. Criteria: Invitae Variant Classification Sherloc (09022015). Collection method: clinical testing. Allele origin: germline.
Comment: This variant has not been reported in the literature in individuals affected with LYST-related conditions. This variant is not present in population databases (gnomAD no frequency). This sequence change creates a premature translational stop signal (p.Leu3146Ilefs*2) in the LYST gene. It is expected to result in an absent or disrupted protein product. Loss-of-function variants in LYST are known to be pathogenic (PMID: 9215679, 11857544). For these reasons, this variant has been classified as Pathogenic.

Literature cited by the submitters: PubMed 9215679; PubMed 11857544.

NM_000081.4(LYST):c.9434_9435dup (p.Leu3146fs)

Gene: LYST (lysosomal trafficking regulator; minus strand). Cytogenetic location: 1q42.3.
Variant type: Microsatellite.
Coding change: c.9434_9435dup on transcript NM_000081.4 (MANE Select); coding-DNA positions 9434 to 9435, 2 bases duplicated (AT; older notation c.9434_9435dupAT).
Protein change: p.Leu3146fs; shifts the reading frame from leucine 3146.
Molecular consequence: frameshift variant.
Genome position (GRCh38, 1-based): chr1:235,720,786-235,720,787, AT duplicated on the plus strand (AT on the coding strand, the reverse complement: LYST is on the minus strand); duplicating any 2 consecutive bases within chr1:235,720,786-235,720,789 gives the same sequence; the c. name uses the placement nearest the transcript's 3' end. VCF-style (leftmost placement, unchanged base first): chr1-235720785-A-AAT. GRCh37 (hg19) VCF-style: chr1-235884085-A-AAT.
Other names: c.9434_9435dup, p.Leu3146fs (NM_001301365.1); short protein forms L3146fs.
Identifiers: ClinVar variation 2747330 (VCV002747330.3), dbSNP rs2527449293, ClinGen allele CA2697555017.